The following is an entry in ClinVar:

NM_018136.5(ASPM):c.8741T>C (p.Ile2914Thr)

Gene: ASPM (assembly factor for spindle microtubules; minus strand). Cytogenetic location: 1q31.3.
Variant type: single nucleotide variant.
Coding change: c.8741T>C on transcript NM_018136.5 (MANE Select); coding-DNA position 8741, T replaced by C.
Protein change: p.Ile2914Thr; replaces isoleucine 2914 with threonine.
Molecular consequence: missense variant. On other transcripts: intron variant (1).
Genome position (GRCh38, 1-based): chr1:197,100,510, A>G on the plus strand (T>C on the coding strand, the complement: ASPM is on the minus strand). VCF-style: chr1-197100510-A-G. GRCh37 (hg19) VCF-style: chr1-197069640-A-G.
Other names: c.4066-4346T>C (NM_001206846.2); short protein forms I2914T.
Identifiers: ClinVar variation 157899 (VCV000157899.12), dbSNP rs200856894, ClinGen allele CA271134.

ClinVar aggregate classification (germline): Conflicting classifications of pathogenicity. Review status: criteria provided, conflicting classifications (1 of 4 stars). 5 submissions from 5 submitters: Uncertain significance (4); Likely benign (1). Last evaluated 2022-04-18.

Conditions:
Inborn genetic diseases. Identifiers: MedGen C0950123, MeSH D030342.
Microcephaly 5, primary, autosomal recessive (MCPH5). Also called: ASPM Primary Microcephaly. Identifiers: Orphanet 2512, MedGen C1837501, MONDO:0012106, OMIM 608716.

Allele frequency attached by ClinVar (database versions not stated): ESP Exome Variant Server 0.00015; TOPMed 0.00015; gnomAD 0.00019 and 0.00021; gnomAD exomes 0.00029.
gnomAD v4.1: 435 of 1,610,468 alleles (0.027%); highest among the groups gnomAD compares: Non-Finnish European, 0.036%; no homozygotes.

Submissions (5):

Labcorp Genetics (formerly Invitae), Labcorp
Classification: Uncertain significance. Last evaluated: 2022-04-18. Review status: criteria provided, single submitter. Criteria: Invitae Variant Classification Sherloc (09022015). Collection method: clinical testing. Allele origin: germline.
Comment: This sequence change replaces isoleucine, which is neutral and non-polar, with threonine, which is neutral and polar, at codon 2914 of the ASPM protein (p.Ile2914Thr). This variant is present in population databases (rs200856894, gnomAD 0.04%). This missense change has been observed in individual(s) with clinical features of Seckel syndrome (PMID: 23611254). ClinVar contains an entry for this variant (Variation ID: 157899). Algorithms developed to predict the effect of missense changes on protein structure and function are either unavailable or do not agree on the potential impact of this missense change (SIFT: "Deleterious"; PolyPhen-2: "Possibly Damaging"; Align-GVGD: "Class C0"). In summary, the available evidence is currently insufficient to determine the role of this variant in disease. Therefore, it has been classified as a Variant of Uncertain Significance.

Ambry Genetics
Classification: Uncertain significance for Inborn genetic diseases. Last evaluated: 2021-06-25. Review status: criteria provided, single submitter. Criteria: Ambry Variant Classification Scheme 2023. Collection method: clinical testing. Allele origin: germline.

GeneDx
Classification: Likely benign. Last evaluated: 2018-01-18. Review status: criteria provided, single submitter. Criteria: GeneDx Variant Classification (06012015). Collection method: clinical testing. Allele origin: germline. Affected: yes.
Comment: This variant is considered likely benign or benign based on one or more of the following criteria: it is a conservative change, it occurs at a poorly conserved position in the protein, it is predicted to be benign by multiple in silico algorithms, and/or has population frequency not consistent with disease.

Illumina Laboratory Services, Illumina
Classification: Uncertain significance for Microcephaly 5, primary, autosomal recessive. Last evaluated: 2018-01-12. Review status: criteria provided, single submitter. Criteria: ICSL Variant Classification Criteria 13 December 2019. Collection method: clinical testing. Allele origin: germline.

Genetic Services Laboratory, University of Chicago
Classification: Uncertain significance for Microcephaly 5, primary, autosomal recessive. Last evaluated: 2013-02-08. Review status: criteria provided, single submitter. Criteria: ACMG Guidelines, 2007. Collection method: clinical testing. Allele origin: germline. Inheritance: Autosomal recessive inheritance.

Literature cited by the submitters: PubMed 23611254 (cited by Labcorp Genetics (formerly Invitae), Labcorp).